The following is an entry in ClinVar:

NM_017635.5(KMT5B):c.2267A>G (p.Asn756Ser)

Gene: KMT5B (lysine methyltransferase 5B; minus strand). Cytogenetic location: 11q13.2.
Variant type: single nucleotide variant.
Coding change: c.2267A>G on transcript NM_017635.5 (MANE Select); coding-DNA position 2267, A replaced by G.
Protein change: p.Asn756Ser; replaces asparagine 756 with serine.
Molecular consequence: missense variant.
Genome position (GRCh38, 1-based): chr11:68,158,079, T>C on the plus strand (A>G on the coding strand, the complement: KMT5B is on the minus strand). VCF-style: chr11-68158079-T-C. GRCh37 (hg19) VCF-style: chr11-67925546-T-C.
Other names: c.1751A>G, p.Asn584Ser (NM_001300907.1, NM_001369428.1, NM_001369429.1 and 4 more transcripts); c.1547A>G, p.Asn516Ser (NM_001300908.2); c.2267A>G, p.Asn756Ser (NM_001369426.1); c.2267A>G (NM_017635.3, NM_017635.4); short protein forms N516S, N584S, N756S.
Identifiers: ClinVar variation 1176575 (VCV001176575.41), dbSNP rs144458991, ClinGen allele CA6148028.

ClinVar aggregate classification (germline): Likely benign. Review status: criteria provided, multiple submitters, no conflicts (2 of 4 stars). 5 submissions from 5 submitters: Likely benign (4). 1 of the submissions does not count toward it. Last evaluated 2026-10-01.

Conditions:
Inborn genetic diseases. Identifiers: MedGen C0950123, MeSH D030342.
KMT5B-related disorder. Also called: KMT5B-related condition.

Allele frequency attached by ClinVar (database versions not stated): 1000 Genomes Project 0.00060; 1000 Genomes Project 30x 0.00062; ExAC 0.00281; gnomAD 0.00295 and 0.00312; gnomAD exomes 0.00315 and 0.00419; TOPMed 0.00328; ESP Exome Variant Server 0.00362.
gnomAD v4.1: 6,594 of 1,614,216 alleles (0.41%); highest among the groups gnomAD compares: Non-Finnish European, 0.48%; 16 homozygotes.

Submissions (5):

CeGaT Center for Human Genetics Tuebingen
Classification: Likely benign. Last evaluated: 2026-10-01. Review status: criteria provided, single submitter. Criteria: CeGaT Center For Human Genetics Tuebingen Variant Classification Criteria Version 2. Collection method: clinical testing. Allele origin: germline. Affected: yes. Observed: 28 variant alleles.
Comment: KMT5B: BP4, BS2

Blueprint Genetics
Classification: Likely benign. Last evaluated: 2024-11-27. Review status: criteria provided, single submitter. Criteria: ACMG Guidelines, 2015. Collection method: clinical testing. Allele origin: germline.

Ambry Genetics
Classification: Likely benign for Inborn genetic diseases. Last evaluated: 2021-12-16. Review status: criteria provided, single submitter. Criteria: Ambry Variant Classification Scheme 2023. Collection method: clinical testing. Allele origin: germline.

Breakthrough Genomics
Classification: Likely benign. Review status: criteria provided, single submitter. Criteria: ACMG Guidelines, 2015. Collection method: not provided. Allele origin: germline. Inheritance: Autosomal dominant inheritance. Affected: yes.

PreventionGenetics, part of Exact Sciences
Classification: Benign for KMT5B-related condition. Last evaluated: 2021-01-05. Review status: no assertion criteria provided. Collection method: clinical testing. Allele origin: germline. Not counted in ClinVar's aggregate classification.
Comment: This variant is classified as benign based on ACMG/AMP sequence variant interpretation guidelines (Richards et al. 2015 PMID: 25741868, with internal and published modifications).